The following is an entry in ClinVar:

ClinVar aggregate classification (germline): Uncertain significance. Review status: criteria provided, multiple submitters, no conflicts (2 of 4 stars). 2 submissions from 2 submitters: Uncertain significance (2). Last evaluated 2025-12-26.

Conditions:
Hereditary spastic paraplegia. Also called: Familial spastic paraparesis. Identifiers: Orphanet 685, MedGen C0037773, MONDO:0019064. Disease mechanism: loss of function.

Submissions (2):

GeneDx
Classification: Uncertain significance. Last evaluated: 2025-12-26. Review status: criteria provided, single submitter. Criteria: GeneDx Variant Classification Process June 2021. Collection method: clinical testing. Allele origin: germline.
Comment: In-frame duplication of 2 amino acids in a non-repeat region; Not observed at significant frequency in large population cohorts (gnomAD); Has not been previously published as pathogenic or benign to our knowledge

Genome Diagnostics Laboratory, The Hospital for Sick Children
Classification: Uncertain significance for Hereditary spastic paraplegia. Last evaluated: 2018-06-01. Review status: criteria provided, single submitter. Criteria: ACMG Guidelines, 2015. Collection method: clinical testing. Allele origin: germline. Affected: yes.

NM_003119.4(SPG7):c.20_25dup (p.Leu7_Leu8dup)

Genes: SPG7 (SPG7 matrix AAA peptidase subunit, paraplegin; plus strand), LOC130059818 (ATAC-STARR-seq lymphoblastoid silent region 7911; plus strand). Cytogenetic location: 16q24.3.
Variant type: Duplication.
Coding change: c.20_25dup on transcript NM_003119.4 (MANE Select); coding-DNA positions 20 to 25, 6 bases duplicated (TGCTCC; older notation c.20_25dupTGCTCC).
Protein change: p.Leu7_Leu8dup.
Molecular consequence: inframe insertion.
Genome position (GRCh38, 1-based): chr16:89,508,437-89,508,442, TGCTCC duplicated; duplicating any 6 consecutive bases within chr16:89,508,436-89,508,442 gives the same sequence; the c. name uses the placement nearest the transcript's 3' end. VCF-style (leftmost placement, unchanged base first): chr16-89508435-G-GCTGCTC. GRCh37 (hg19) VCF-style: chr16-89574843-G-GCTGCTC.
Other names: c.20_25dup, p.Leu7_Leu8dup (NM_001363850.1, NM_199367.3); c.20_25dup (NM_003119.2).
Identifiers: ClinVar variation 1344134 (VCV001344134.5), dbSNP rs1395154051, ClinGen allele CA624453000.